The following is an entry in ClinVar:

ClinVar aggregate classification (germline): Likely benign. Review status: criteria provided, multiple submitters, no conflicts (2 of 4 stars). 3 submissions from 3 submitters: Likely benign (3). Last evaluated 2025-12-01.

Conditions:
Inborn genetic diseases. Identifiers: MedGen C0950123, MeSH D030342.

Allele frequency attached by ClinVar (database versions not stated): 1000 Genomes Project 30x 0.00016.
gnomAD v4.1: 162 of 1,523,980 alleles (0.011%); highest among the groups gnomAD compares: South Asian, 0.086%; no homozygotes.

Submissions (3):

CeGaT Center for Human Genetics Tuebingen
Classification: Likely benign. Last evaluated: 2025-12-01. Review status: criteria provided, single submitter. Criteria: CeGaT Center For Human Genetics Tuebingen Variant Classification Criteria Version 2. Collection method: clinical testing. Allele origin: germline. Affected: yes. Observed: 1 variant allele.
Comment: CHD3: BP4

Blueprint Genetics
Classification: Likely benign. Last evaluated: 2024-09-20. Review status: criteria provided, single submitter. Criteria: ACMG Guidelines, 2015. Collection method: clinical testing. Allele origin: germline.

Ambry Genetics
Classification: Likely benign for Inborn genetic diseases. Last evaluated: 2021-10-13. Review status: criteria provided, single submitter. Criteria: Ambry Variant Classification Scheme 2023. Collection method: clinical testing. Allele origin: germline.

NM_001005273.3(CHD3):c.4950G>C (p.Arg1650Ser)

Gene: CHD3 (chromodomain helicase DNA binding protein 3; plus strand). Cytogenetic location: 17p13.1.
Variant type: single nucleotide variant.
Coding change: c.4950G>C on transcript NM_001005273.3 (MANE Select); coding-DNA position 4950, G replaced by C.
Protein change: p.Arg1650Ser; replaces arginine 1650 with serine.
Molecular consequence: missense variant. On other transcripts: intron variant (1).
Genome position (GRCh38, 1-based): chr17:7,907,626, G>C. VCF-style: chr17-7907626-G-C. GRCh37 (hg19) VCF-style: chr17-7810944-G-C.
Other names: c.5127G>C, p.Arg1709Ser (NM_001005271.3); c.4924+138G>C (NM_005852.4); short protein forms R1709S, R1650S.
Identifiers: ClinVar variation 2379210 (VCV002379210.8), dbSNP rs375492899, ClinGen allele CA8363532.
Genomic context (GRCh38, chr17:7,907,626, plus strand): 5'-CATCCTCCCTTCCTATCCCCTACCCCCTCCCACAGCCACAGAGTCGACGCCAGGAGAAAG[G>C]GGGGAGGAGAAGCCGTTGGATGGACAGGAACACAGGGAGAGGCCGGAGGGGGAAACAGGG-3'
Protein context (NP_001005273.1, residues 1640-1660): KSATESTPGE[Arg1650Ser]GEEKPLDGQE